The following is an entry in ClinVar:

ClinVar aggregate classification (germline): Likely benign. Review status: criteria provided, multiple submitters, no conflicts (2 of 4 stars). 3 submissions from 3 submitters: Likely benign (2). 1 of the submissions does not count toward it. Last evaluated 2024-11-19.

Conditions:
Pfeiffer syndrome (ACS5). Also called: ACS V. Identifiers: Orphanet 710, MedGen C0220658, MONDO:0007043, OMIM 101600.
Hypogonadotropic hypogonadism 2 with or without anosmia (HH2). Also called: FGFR1-Related GnRH Deficiency (Kallmann Syndrome 2); HYPOGONADOTROPIC HYPOGONADISM 2 WITHOUT ANOSMIA; HYPOGONADOTROPIC HYPOGONADISM 2 WITH OR WITHOUT ANOSMIA, SUSCEPTIBILITY TO; HYPOGONADOTROPIC HYPOGONADISM 2 WITHOUT ANOSMIA, SUSCEPTIBILITY TO. Identifiers: Orphanet 478, MedGen C1563720, MONDO:0007844, OMIM 147950. Disease mechanism: loss of function.
FGFR1-related disorder. Also called: FGFR1-related condition; FGFR1-related disorders. Identifiers: MedGen CN380097.

Allele frequency attached by ClinVar (database versions not stated): TOPMed 0.00002; ExAC 0.00003; gnomAD 0.00003; gnomAD exomes 0.00003; ESP Exome Variant Server 0.00008.
gnomAD v4.1: 42 of 1,614,108 alleles (0.0026%); highest among the groups gnomAD compares: Non-Finnish European, 0.0034%; no homozygotes.

Submissions (3):

Blueprint Genetics
Classification: Likely benign. Last evaluated: 2024-11-19. Review status: criteria provided, single submitter. Criteria: ACMG Guidelines, 2015. Collection method: clinical testing. Allele origin: germline.

Labcorp Genetics (formerly Invitae), Labcorp
Classification: Likely benign for Pfeiffer syndrome; Hypogonadotropic hypogonadism 2 with or without anosmia. Last evaluated: 2023-05-20. Review status: criteria provided, single submitter. Criteria: Invitae Variant Classification Sherloc (09022015). Collection method: clinical testing. Allele origin: germline.

PreventionGenetics, part of Exact Sciences
Classification: Likely benign for FGFR1-related condition. Last evaluated: 2023-06-22. Review status: no assertion criteria provided. Collection method: clinical testing. Allele origin: germline. Not counted in ClinVar's aggregate classification.
Comment: This variant is classified as likely benign based on ACMG/AMP sequence variant interpretation guidelines (Richards et al. 2015 PMID: 25741868, with internal and published modifications).

NM_023110.3(FGFR1):c.2163G>A (p.Lys721=)

Gene: FGFR1 (fibroblast growth factor receptor 1; minus strand). Cytogenetic location: 8p11.23.
Variant type: single nucleotide variant.
Coding change: c.2163G>A on transcript NM_023110.3 (MANE Select); coding-DNA position 2163, G replaced by A.
Protein change: p.Lys721=; no amino-acid change (lysine 721 retained).
Molecular consequence: synonymous variant.
Genome position (GRCh38, 1-based): chr8:38,414,175, C>T on the plus strand (G>A on the coding strand, the complement: FGFR1 is on the minus strand). VCF-style: chr8-38414175-C-T. GRCh37 (hg19) VCF-style: chr8-38271693-C-T.
Other names: c.2163G>A, p.Lys721= (NM_000604.2); c.2157G>A, p.Lys719= (NM_001174063.2, NM_001174065.2, NM_001354367.2 and 1 more transcripts); c.2133G>A, p.Lys711= (NM_001174064.2); c.1896G>A, p.Lys632= (NM_001174066.2, NM_023105.3); c.2256G>A, p.Lys752= (NM_001174067.2); c.1884G>A, p.Lys628= (NM_001354368.2); c.2151G>A, p.Lys717= (NM_001354369.2, NM_001410922.1); c.1890G>A, p.Lys630= (NM_001354370.2, NM_023106.3).
Identifiers: ClinVar variation 2954023 (VCV002954023.6), dbSNP rs375706099, ClinGen allele CA4718168.
Genomic context (GRCh38, chr8:38,414,175, plus strand): 5'-GCCTGGCTCAGGGCCTCCGACATCTCCTCGGGCTTACAGCTCGTTGGTGCAGTTACTGGG[C>T]TTGTCCATGCGGTGACCCTCCTTCAGCAGCTTGAAAAGTTCCTCCACAGGCACACCGGGG-3'
Protein context (NP_075598.2, residues 711-731): KLLKEGHRMD[Lys721=]PSNCTNELYM